The following is an entry in ClinVar:

NM_001035.3(RYR2):c.11731C>G (p.Gln3911Glu)

Gene: RYR2 (ryanodine receptor 2; plus strand). Cytogenetic location: 1q43.
Variant type: single nucleotide variant.
Coding change: c.11731C>G on transcript NM_001035.3 (MANE Select); coding-DNA position 11731, C replaced by G.
Protein change: p.Gln3911Glu; replaces glutamine 3911 with glutamic acid.
Molecular consequence: missense variant.
Genome position (GRCh38, 1-based): chr1:237,773,604, C>G. VCF-style: chr1-237773604-C-G. GRCh37 (hg19) VCF-style: chr1-237936904-C-G.
Other names: short protein forms Q3911E.
Identifiers: ClinVar variation 3385846 (VCV003385846.1).
Genomic context (GRCh38, chr1:237,773,604, plus strand): 5'-TATTACTCTGGGAAAGATGTTATTGATGAACAAGGACAACGGAATTTCTCCAAAGCTATC[C>G]AAGTGGCAAAACAAGTCTTTAACACTCTTACAGAGTATATTCAGGTAAACATTTAAACAT-3'
Protein context (NP_001026.2, residues 3901-3921): QGQRNFSKAI[Gln3911Glu]VAKQVFNTLT

ClinVar aggregate classification (germline): Uncertain significance (1 of 4 stars; one submission).

Conditions:
Catecholaminergic polymorphic ventricular tachycardia (CVPT). Also called: Catecholamine-induced polymorphic ventricular tachycardia. Identifiers: Orphanet 3286, MedGen C5574922, MONDO:0017990.

Submission:

All of Us Research Program, National Institutes of Health
Classification: Uncertain significance for Catecholaminergic polymorphic ventricular tachycardia. Last evaluated: 2024-10-01. Review status: criteria provided, single submitter. Criteria: ACMG Guidelines, 2015. Collection method: clinical testing. Allele origin: germline. Inheritance: Autosomal dominant inheritance. Observed: 1 variant allele, 1 heterozygote.
Comment: This study involves interpretation of variants in research participants for the purpose of population health screening. Participant phenotype was not available at the time of variant classification. Additional details can be found in publication PMID: 35346344, PMCID: PMC8962531